The following is an entry in ClinVar:

ClinVar aggregate classification (germline): Uncertain significance (1 of 4 stars; one submission).

Conditions:
Classic or attenuated familial adenomatous polyposis. Identifiers: MedGen CN372698, MONDO:0021057.

Allele frequency attached by ClinVar (database versions not stated): gnomAD 0.00001; TOPMed 0.00002.
gnomAD v4.1: 1 of 1,613,976 alleles (0.000062%); highest among the groups gnomAD compares: Non-Finnish European, 0.000085%; no homozygotes.

Submission:

All of Us Research Program, National Institutes of Health
Classification: Uncertain significance for Classic or attenuated familial adenomatous polyposis. Last evaluated: 2023-05-16. Review status: criteria provided, single submitter. Criteria: ACMG Guidelines, 2015. Collection method: clinical testing. Allele origin: germline. Inheritance: Autosomal dominant inheritance. Observed: 1 variant allele, 1 heterozygote.
Comment: This synonymous variant causes a A>G nucleotide change in exon 16 of the APC gene. To our knowledge, functional studies have not been reported for this variant. This variant has not been reported in individuals affected with APC-related disorders in the literature. This variant has not been identified in the general population by the Genome Aggregation Database (gnomAD). The available evidence is insufficient to determine the role of this variant in disease conclusively. Therefore, this variant is classified as a Variant of Uncertain Significance.

This study involves interpretation of variants in research participants for the purpose of population health screening. Participant phenotype was not available at the time of variant classification. Additional details can be found in publication PMID: 35346344, PMCID: PMC8962531

NM_000038.6(APC):c.7311A>G (p.Leu2437=)

Gene: APC (APC regulator of WNT signaling pathway; plus strand). Cytogenetic location: 5q22.2.
Variant type: single nucleotide variant.
Coding change: c.7311A>G on transcript NM_000038.6 (MANE Select); coding-DNA position 7311, A replaced by G.
Protein change: p.Leu2437=; no amino-acid change (leucine 2437 retained).
Molecular consequence: synonymous variant. On other transcripts: non-coding transcript variant (2).
Genome position (GRCh38, 1-based): chr5:112,842,905, A>G. VCF-style: chr5-112842905-A-G. GRCh37 (hg19) VCF-style: chr5-112178602-A-G.
Other names: c.7311A>G, p.Leu2437= (NM_001127510.3, NM_001354895.2, NM_001407450.1); c.7257A>G, p.Leu2419= (NM_001127511.3); c.7365A>G, p.Leu2455= (NM_001354896.2, NM_001407447.1, NM_001407448.1 and 1 more transcripts); c.7341A>G, p.Leu2447= (NM_001354897.2); c.7236A>G, p.Leu2412= (NM_001354898.2); c.7227A>G, p.Leu2409= (NM_001354899.2); c.7188A>G, p.Leu2396= (NM_001354900.2); c.7134A>G, p.Leu2378= (NM_001354901.2, NM_001407453.1); and 11 more.
Identifiers: ClinVar variation 3071237 (VCV003071237.1), dbSNP rs745815339, ClinGen allele CA125167818.